The following is an entry in ClinVar:

ClinVar aggregate classification (germline): Uncertain significance (1 of 4 stars; one submission).

Conditions:
Inborn genetic diseases. Identifiers: MedGen C0950123, MeSH D030342.

Submission:

Ambry Genetics
Classification: Uncertain significance for Inborn genetic diseases. Last evaluated: 2026-08-13. Review status: criteria provided, single submitter. Criteria: Ambry Variant Classification Scheme 2023. Collection method: clinical testing. Allele origin: germline.
Comment: The p.M916V variant (also known as c.2746A>G), located in coding exon 24 of the ANKRD26 gene, results from an A to G substitution at nucleotide position 2746. The methionine at codon 916 is replaced by valine, an amino acid with highly similar properties. This amino acid position is conserved. In addition, this alteration is predicted to be tolerated by in silico analysis. Based on the available evidence, the clinical significance of this variant remains unclear.

NM_014915.3(ANKRD26):c.2746A>G (p.Met916Val)

Gene: ANKRD26 (ankyrin repeat domain 26; minus strand). Cytogenetic location: 10p12.1.
Variant type: single nucleotide variant.
Coding change: c.2746A>G on transcript NM_014915.3 (MANE Select); coding-DNA position 2746, A replaced by G.
Protein change: p.Met916Val; replaces methionine 916 with valine.
Molecular consequence: missense variant.
Genome position (GRCh38, 1-based): chr10:27,035,704, T>C on the plus strand (A>G on the coding strand, the complement: ANKRD26 is on the minus strand). VCF-style: chr10-27035704-T-C. GRCh37 (hg19) VCF-style: chr10-27324633-T-C.
Other names: c.2743A>G, p.Met915Val (NM_001256053.2); short protein forms M915V, M916V.
Identifiers: ClinVar variation 5023533 (VCV005023533.1).
Genomic context (GRCh38, chr10:27,035,704, plus strand): 5'-GGTTTTGATTTTTTATTGTGTCTATTTCTAGTCTTAGCATAGCAATTTCTTCCTGCAACA[T>C]GCTATTTTTATGCGATAGGTCTTTTTCTTCTTCATGACTATGAGAATTCTAAGTAAAACA-3'
Protein context (NP_055730.2, residues 906-926): EEKDLSHKNS[Met916Val]LQEEIAMLRL